The following continues an entry in ClinVar:

NM_000171.4(GLRA1):c.896G>A (p.Arg299Gln)

Gene: GLRA1. ClinVar aggregate classification (germline): Pathogenic. Pathogenic (11).

Submissions 10 to 13 of 13:

ITMI
Classification: Pathogenic for HYPEREKPLEXIA, HEREDITARY 1. Last evaluated: 2016-11-30. Review status: criteria provided, single submitter. Criteria: Submitter's publication. Collection method: research. Allele origin: germline. Affected: yes.

Neuberg Centre For Genomic Medicine, NCGM
Classification: Pathogenic for Hyperekplexia 1. Review status: criteria provided, single submitter. Criteria: ACMG Guidelines, 2015. Collection method: clinical testing. Allele origin: germline. Inheritance: Autosomal dominant inheritance. Affected: yes.
Comment: The observed missense variant c.896G>Ap.Arg299Gln in GLRA1 gene has been reported previously in individuals with autosomal dominant hyperekplexia, also known as startle syndrome. Experimental studies have shown that this missense change affects GLRA1 function. This variant is present in a mutational hotspot. A different missense change p.Arg299Leu affecting the same position has been reported as Likely pathogenic Russo SP, et al., 2017; Paucar M, et al., 2018; Rajendra S, et al., 1994; Shiang R, et al., 1993. This variant is absent in the gnomAD Exomes. This variant has been reported to the ClinVar database as Pathogenic by multiple submitters. The amino acid Arg at position 299 is changed to a Gln changing protein sequence and it might alter its composition and physico-chemical properties. Multiple lines of computational evidence Polyphen - Possibly damaging, SIFT – Damaging and MutationTaster - Disease causing predict a damaging effect on protein structure and function for this variant. The residue is conserved by GERP++ and PhyloP across 100 vertebrates. For these reasons, this variant has been classified as Pathogenic.

GeneReviews
Classification: Pathogenic for Hyperekplexia. Last evaluated: 2012-10-04. Review status: no assertion criteria provided. Collection method: curation. Allele origin: unknown. Not counted in ClinVar's aggregate classification.
ClinVar note: Converted during submission from pathologic to Pathogenic.

OMIM
Classification: Pathogenic for HYPEREKPLEXIA 1, AUTOSOMAL DOMINANT. Last evaluated: 1996-05-01. Review status: no assertion criteria provided. Collection method: literature only. Allele origin: germline. Not counted in ClinVar's aggregate classification.

Literature cited by the submitters: PubMed 8298642 (cited by 4 submitters); PubMed 8733061 (cited by 4 submitters); PubMed 28122427 (cited by 3 submitters); PubMed 28138086 (cited by 3 submitters); PubMed 7518444 (cited by Labcorp Genetics (formerly Invitae), Labcorp and OMIM); PubMed 7881416 (cited by 3 submitters); PubMed 30866851 (cited by Victorian Clinical Genetics Services, Murdoch Childrens Research Institute); PubMed 11389164 (cited by Victorian Clinical Genetics Services, Murdoch Childrens Research Institute and Ambry Genetics); PubMed 17536053 (cited by Victorian Clinical Genetics Services, Murdoch Childrens Research Institute); PubMed 14673895 (cited by Victorian Clinical Genetics Services, Murdoch Childrens Research Institute and Ambry Genetics); PubMed 25356525 (cited by Victorian Clinical Genetics Services, Murdoch Childrens Research Institute); PubMed 32319239 (cited by Victorian Clinical Genetics Services, Murdoch Childrens Research Institute); PubMed 7981700 (cited by Ambry Genetics and OMIM); PubMed 28348128 (cited by Ambry Genetics); PubMed 28617419 (cited by Ambry Genetics); PubMed 30109271 (cited by Ambry Genetics); PubMed 1334371 (cited by OMIM); PubMed 7611730 (cited by OMIM).